The following is an entry in ClinVar:

ClinVar aggregate classification (germline): Uncertain significance (1 of 4 stars; one submission).

Conditions:
Hereditary spastic paraplegia 10 (SPG10). Also called: SPASTIC PARAPLEGIA 10, AUTOSOMAL DOMINANT; SPASTIC PARAPLEGIA 10 WITH OR WITHOUT PERIPHERAL NEUROPATHY; SPASTIC PARAPLEGIA 10 WITH PERIPHERAL NEUROPATHY. Identifiers: Orphanet 100991, MedGen C1858712, MONDO:0011408, OMIM 604187.

Allele frequency attached by ClinVar (database versions not stated): gnomAD exomes below 0.00001.
gnomAD v4.1: 6 of 1,614,124 alleles (0.00037%); highest among the groups gnomAD compares: South Asian, 0.0066%; no homozygotes.

Submission:

Neuberg Centre For Genomic Medicine, NCGM
Classification: Uncertain significance for Hereditary spastic paraplegia 10. Review status: criteria provided, single submitter. Criteria: ACMG Guidelines, 2015. Collection method: clinical testing. Allele origin: germline. Inheritance: Autosomal dominant inheritance. Affected: yes.
Comment: The variant has not been reported previously as a pathogenic variant nor as a benign variant, to our knowledge. The amino acid Gly at position 984 is changed to a Ser changing protein sequence and it might alter its composition and physico-chemical properties. In silico tools predict the variant to be tolerated. The residue is conserved across species. The amino acid change p.Gly984Ser in KIF5A is predicted as conserved by GERP++ and PhyloP across 100 vertebrates. The variant is novel (not in any individuals) in 1000 Genomes. For these reasons, this variant has been classified as uncertain significance .

NM_004984.4(KIF5A):c.2950G>A (p.Gly984Ser)

Gene: KIF5A (kinesin family member 5A; plus strand). Cytogenetic location: 12q13.3.
Variant type: single nucleotide variant.
Coding change: c.2950G>A on transcript NM_004984.4 (MANE Select); coding-DNA position 2950, G replaced by A.
Protein change: p.Gly984Ser; replaces glycine 984 with serine.
Molecular consequence: missense variant.
Genome position (GRCh38, 1-based): chr12:57,581,910, G>A. VCF-style: chr12-57581910-G-A. GRCh37 (hg19) VCF-style: chr12-57975693-G-A.
Other names: c.2683G>A, p.Gly895Ser (NM_001354705.2); short protein forms G984S, G895S.
Identifiers: ClinVar variation 2584828 (VCV002584828.1), dbSNP rs1328438334, ClinGen allele CA385516654.
Genomic context (GRCh38, chr12:57,581,910, plus strand): 5'-CTTTCCTCTGCTCCATCCAGCTTTGCAAACTCCTGTACCAGCAGTGGAGCCACATCTTCT[G>A]GCGGCCCCTTGGCTTCCTACCAGAAGGCCAACATGGACAATGGTGAGTGAAAAAGATGGG-3'
Protein context (NP_004975.2, residues 974-994): SCTSSGATSS[Gly984Ser]GPLASYQKAN